The following is an entry in ClinVar:

NM_172351.3(CD46):c.947A>T (p.Tyr316Phe)

Gene: CD46 (CD46 molecule; plus strand). Cytogenetic location: 1q32.2.
Variant type: single nucleotide variant.
Coding change: c.947A>T on transcript NM_172351.3 (MANE Select); coding-DNA position 947, A replaced by T.
Protein change: p.Tyr316Phe; replaces tyrosine 316 with phenylalanine.
Molecular consequence: missense variant.
Genome position (GRCh38, 1-based): chr1:207,783,295, A>T. VCF-style: chr1-207783295-A-T. GRCh37 (hg19) VCF-style: chr1-207956640-A-T.
Other names: c.992A>T, p.Tyr331Phe (NM_002389.4, NM_172359.3); c.947A>T, p.Tyr316Phe (NM_153826.4, NM_172358.3); c.902A>T, p.Tyr301Phe (NM_172350.3, NM_172352.3, NM_172353.3); c.905A>T, p.Tyr302Phe (NM_172355.3, NM_172356.3); c.860A>T, p.Tyr287Phe (NM_172357.3, NM_172361.3); short protein forms Y316F, Y331F, Y287F, Y301F, Y302F.
Identifiers: ClinVar variation 1368911 (VCV001368911.8), dbSNP rs1658959631, ClinGen allele CA344552622.

ClinVar aggregate classification (germline): Uncertain significance (1 of 4 stars; one submission).

Allele frequency attached by ClinVar (database versions not stated): TOPMed 0.00002.

Submission:

Labcorp Genetics (formerly Invitae), Labcorp
Classification: Uncertain significance. Last evaluated: 2022-09-19. Review status: criteria provided, single submitter. Criteria: Invitae Variant Classification Sherloc (09022015). Collection method: clinical testing. Allele origin: germline.
Comment: This sequence change replaces tyrosine, which is neutral and polar, with phenylalanine, which is neutral and non-polar, at codon 331 of the CD46 protein (p.Tyr331Phe). In summary, the available evidence is currently insufficient to determine the role of this variant in disease. Therefore, it has been classified as a Variant of Uncertain Significance. Algorithms developed to predict the effect of missense changes on protein structure and function (SIFT, PolyPhen-2, Align-GVGD) all suggest that this variant is likely to be tolerated. ClinVar contains an entry for this variant (Variation ID: 1368911). This variant has not been reported in the literature in individuals affected with CD46-related conditions. This variant is not present in population databases (gnomAD no frequency).